The following is an entry in ClinVar:

ClinVar aggregate classification (germline): Uncertain significance (1 of 4 stars; one submission).

Conditions:
Hypermethioninemia with deficiency of S-adenosylhomocysteine hydrolase. Identifiers: Orphanet 88618, MedGen C3151058, MONDO:0013404, OMIM 613752.

Submission:

Labcorp Genetics (formerly Invitae), Labcorp
Classification: Uncertain significance for Hypermethioninemia with deficiency of S-adenosylhomocysteine hydrolase. Last evaluated: 2022-07-19. Review status: criteria provided, single submitter. Criteria: Invitae Variant Classification Sherloc (09022015). Collection method: clinical testing. Allele origin: germline.
Comment: This variant is not present in population databases (gnomAD no frequency). In summary, the available evidence is currently insufficient to determine the role of this variant in disease. Therefore, it has been classified as a Variant of Uncertain Significance. Algorithms developed to predict the effect of missense changes on protein structure and function are either unavailable or do not agree on the potential impact of this missense change (SIFT: "Not Available"; PolyPhen-2: "Benign"; Align-GVGD: "Not Available"). ClinVar contains an entry for this variant (Variation ID: 1485172). This variant has not been reported in the literature in individuals affected with AHCY-related conditions. This sequence change replaces glutamic acid with lysine at codon 268 of the AHCY protein (p.Glu268Lys). The glutamic acid residue is moderately conserved and there is a small physicochemical difference between glutamic acid and lysine.

NM_000687.4(AHCY):c.802G>A (p.Glu268Lys)

Gene: AHCY (adenosylhomocysteinase; minus strand). Cytogenetic location: 20q11.22.
Variant type: single nucleotide variant.
Coding change: c.802G>A on transcript NM_000687.4 (MANE Select); coding-DNA position 802, G replaced by A.
Protein change: p.Glu268Lys; replaces glutamic acid 268 with lysine.
Molecular consequence: missense variant.
Genome position (GRCh38, 1-based): chr20:34,290,603, C>T on the plus strand (G>A on the coding strand, the complement: AHCY is on the minus strand). VCF-style: chr20-34290603-C-T. GRCh37 (hg19) VCF-style: chr20-32878409-C-T.
Other names: c.718G>A, p.Glu240Lys (NM_001161766.2, NM_001322084.2, NM_001322085.2); c.808G>A, p.Glu270Lys (NM_001322086.2); c.802G>A, p.Glu268Lys (NM_001362750.2); short protein forms E268K, E270K, E240K.
Identifiers: ClinVar variation 1485172 (VCV001485172.6), dbSNP rs2122758097, ClinGen allele CA408657296.